The following is an entry in ClinVar:

ClinVar aggregate classification (germline): Uncertain significance (1 of 4 stars; one submission).

Conditions:
Fanconi anemia (FA). Also called: Fanconi's anemia. Identifiers: Orphanet 84, MedGen C0015625, MeSH D005199, MONDO:0019391.

Submission:

Labcorp Genetics (formerly Invitae), Labcorp
Classification: Uncertain significance for Fanconi anemia. Last evaluated: 2022-02-03. Review status: criteria provided, single submitter. Criteria: Invitae Variant Classification Sherloc (09022015). Collection method: clinical testing. Allele origin: germline.
Comment: In summary, the available evidence is currently insufficient to determine the role of this variant in disease. Therefore, it has been classified as a Variant of Uncertain Significance. Variants that disrupt the consensus splice site are a relatively common cause of aberrant splicing (PMID: 17576681, 9536098). Algorithms developed to predict the effect of sequence changes on RNA splicing suggest that this variant may disrupt the consensus splice site. This variant has not been reported in the literature in individuals affected with FANCD2-related conditions. This variant is not present in population databases (gnomAD no frequency). This sequence change affects codon 296 of the FANCD2 mRNA. It is a 'silent' change, meaning that it does not change the encoded amino acid sequence of the FANCD2 protein. This variant also falls at the last nucleotide of exon 11, which is part of the consensus splice site for this exon.

Literature cited by the submitters: PubMed 17576681; PubMed 9536098.

NM_001018115.3(FANCD2):c.888G>A (p.Glu296=)

Genes: FANCD2 (FA complementation group D2; plus strand), LOC107303338 (3p25 FANCD2 Alu-mediated recombination region; plus strand). Cytogenetic location: 3p25.3.
Variant type: single nucleotide variant.
Coding change: c.888G>A on transcript NM_001018115.3 (MANE Select); coding-DNA position 888, G replaced by A.
Protein change: p.Glu296=; no amino-acid change (glutamic acid 296 retained).
Molecular consequence: synonymous variant.
Genome position (GRCh38, 1-based): chr3:10,042,663, G>A. VCF-style: chr3-10042663-G-A. GRCh37 (hg19) VCF-style: chr3-10084347-G-A.
Other names: c.888G>A, p.Glu296= (NM_001319984.2, NM_001374253.1, NM_001374254.1 and 1 more transcripts).
Identifiers: ClinVar variation 2191763 (VCV002191763.4), dbSNP rs1189787735, ClinGen allele CA432429945.